The following is an entry in ClinVar:

ClinVar aggregate classification (germline): Uncertain significance (1 of 4 stars; one submission).

Submission:

GeneDx
Classification: Uncertain significance. Last evaluated: 2026-03-02. Review status: criteria provided, single submitter. Criteria: GeneDx Variant Classification Process June 2021. Collection method: clinical testing. Allele origin: germline.
Comment: Not observed at significant frequency in large population cohorts (gnomAD); In silico analysis supports that this missense variant has a deleterious effect on protein structure/function; Has not been previously published as pathogenic or benign to our knowledge

NM_001382241.1(TNPO2):c.593A>G (p.Gln198Arg)

Gene: TNPO2 (transportin 2; minus strand). Cytogenetic location: 19p13.13.
Variant type: single nucleotide variant.
Coding change: c.593A>G on transcript NM_001382241.1 (MANE Select); coding-DNA position 593, A replaced by G.
Protein change: p.Gln198Arg; replaces glutamine 198 with arginine.
Molecular consequence: missense variant. On other transcripts: non-coding transcript variant (6).
Genome position (GRCh38, 1-based): chr19:12,715,298, T>C on the plus strand (A>G on the coding strand, the complement: TNPO2 is on the minus strand). VCF-style: chr19-12715298-T-C. GRCh37 (hg19) VCF-style: chr19-12826112-T-C.
Other names: c.593A>G, p.Gln198Arg (NM_001136195.2, NM_001136196.2, NM_001382236.1 and 7 more transcripts); short protein forms Q198R.
Identifiers: ClinVar variation 5008396 (VCV005008396.1).